The following is an entry in ClinVar:

ClinVar aggregate classification (germline): Likely pathogenic. Review status: criteria provided, single submitter (1 of 4 stars). 2 submissions from 2 submitters: Likely pathogenic (1). 1 of the submissions does not count toward it. Last evaluated 2025-12-26.

Conditions:
Hereditary cancer-predisposing syndrome. Also called: Tumor predisposition; Hereditary Cancer Syndrome; Neoplastic Syndromes, Hereditary; Hereditary neoplastic syndrome. Identifiers: Orphanet 140162, MedGen C0027672, MeSH D009386, MONDO:0015356.
Familial cancer of breast. Also called: Hereditary breast cancer; BREAST CANCER, FAMILIAL; hereditary breast carcinoma. Identifiers: Orphanet 227535, MedGen C0346153, MONDO:0016419, OMIM 114480. Disease mechanism: loss of function.

gnomAD v4.1: 1 of 1,606,676 alleles (0.000062%); highest among the groups gnomAD compares: South Asian, 0.0011%; no homozygotes.

Submissions (2):

Ambry Genetics
Classification: Likely pathogenic for Hereditary cancer-predisposing syndrome. Last evaluated: 2025-12-26. Review status: criteria provided, single submitter. Criteria: Ambry Variant Classification Scheme 2023. Collection method: clinical testing. Allele origin: germline.
Comment: The c.-6-2A>G intronic variant results from an A to G substitution two nucleotides upstream from the first translated codon. This nucleotide position is well conserved in available vertebrate species. In silico splice site analysis predicts that this alteration will weaken the native splice acceptor site; however, direct evidence is insufficient at this time (Ambry internal data). Alterations that disrupt the canonical splice site are expected to cause aberrant splicing. This variant is predicted to impact splicing of the first coding exon, including the initiation codon, resulting in either loss of translation initiation, N-terminal truncation, or cause a shift in the mRNA reading frame. As such, this alteration is classified as likely pathogenic.

Counsyl
Classification: Uncertain significance for Familial cancer of breast. Last evaluated: 2018-02-21. Review status: no assertion criteria provided. Collection method: clinical testing. Allele origin: unknown. Not counted in ClinVar's aggregate classification.

NM_007194.4(CHEK2):c.-6-2A>G

Gene: CHEK2 (checkpoint kinase 2; minus strand). Cytogenetic location: 22q12.1.
Variant type: single nucleotide variant.
Coding change: c.-6-2A>G on transcript NM_007194.4 (MANE Select); the canonical splice acceptor site of the intron before 6 bases upstream of the start codon, A replaced by G.
Molecular consequence: splice acceptor variant. On other transcripts: intron variant (1).
Genome position (GRCh38, 1-based): chr22:28,734,729, T>C on the plus strand (A>G on the coding strand, the complement: CHEK2 is on the minus strand). VCF-style: chr22-28734729-T-C. GRCh37 (hg19) VCF-style: chr22-29130717-T-C.
Other names: c.-345+7040A>G (NM_001437942.1); c.-6-2A>G (NM_001349956.3, NM_145862.3, NM_001438295.1 and 3 more transcripts); c.-783-2A>G (NM_001257387.3).
Identifiers: ClinVar variation 548862 (VCV000548862.4), dbSNP rs1555932985, ClinGen allele CA411092238.